The following is an entry in ClinVar:

ClinVar aggregate classification (germline): Uncertain significance (1 of 4 stars; one submission).

Conditions:
Brugada syndrome 8 (BRGDA8). Identifiers: Orphanet 130, MedGen C2751083, MONDO:0013148, OMIM 613123.

Allele frequency attached by ClinVar (database versions not stated): TOPMed 0.00001.
gnomAD v4.1: 1 of 1,557,136 alleles (0.000064%); highest among the groups gnomAD compares: African/African-American, 0.0014%; no homozygotes.

Submission:

Labcorp Genetics (formerly Invitae), Labcorp
Classification: Uncertain significance for Brugada syndrome 8. Last evaluated: 2024-10-25. Review status: criteria provided, single submitter. Criteria: Invitae Variant Classification Sherloc (09022015). Collection method: clinical testing. Allele origin: germline.
Comment: This sequence change replaces alanine, which is neutral and non-polar, with serine, which is neutral and polar, at codon 1008 of the HCN4 protein (p.Ala1008Ser). This variant is not present in population databases (gnomAD no frequency). This variant has not been reported in the literature in individuals affected with HCN4-related conditions. ClinVar contains an entry for this variant (Variation ID: 1934922). Invitae Evidence Modeling of protein sequence and biophysical properties (such as structural, functional, and spatial information, amino acid conservation, physicochemical variation, residue mobility, and thermodynamic stability) indicates that this missense variant is not expected to disrupt HCN4 protein function with a negative predictive value of 95%. In summary, the available evidence is currently insufficient to determine the role of this variant in disease. Therefore, it has been classified as a Variant of Uncertain Significance.

NM_005477.3(HCN4):c.3022G>T (p.Ala1008Ser)

Gene: HCN4 (hyperpolarization activated cyclic nucleotide gated potassium channel 4; minus strand). Cytogenetic location: 15q24.1.
Variant type: single nucleotide variant.
Coding change: c.3022G>T on transcript NM_005477.3 (MANE Select); coding-DNA position 3022, G replaced by T.
Protein change: p.Ala1008Ser; replaces alanine 1008 with serine.
Molecular consequence: missense variant.
Genome position (GRCh38, 1-based): chr15:73,323,071, C>A on the plus strand (G>T on the coding strand, the complement: HCN4 is on the minus strand). VCF-style: chr15-73323071-C-A. GRCh37 (hg19) VCF-style: chr15-73615412-C-A.
Other names: short protein forms A1008S.
Identifiers: ClinVar variation 1934922 (VCV001934922.5), dbSNP rs2042872718, ClinGen allele CA393086424.
Genomic context (GRCh38, chr15:73,323,071, plus strand): 5'-GGGGGCTGAGACCTCCTCGGGGAGTAAAGCCTACAGGGGAAGCCCCCCCAGAGGCCCCTG[C>A]CACAAGGGACGGCGGCTCAGGCTGCCGTGGGGGTGTCTCTGGCGTGCTCAGTGGGCCAGT-3'
Protein context (NP_005468.1, residues 998-1018): PRQPEPPSLV[Ala1008Ser]GASGGASPVG